The following is an entry in ClinVar:

NM_032856.5(WDR73):c.99TGA[1] (p.Asp35del)

Gene: WDR73 (WD repeat domain 73; minus strand). Cytogenetic location: 15q25.2.
Variant type: Microsatellite.
Coding change: c.99TGA[1] on transcript NM_032856.5 (MANE Select); one copy of the 3-base unit TGA starting at c.99; the reference has two copies in a row; one copy, 3 bases deleted; also written c.102_104del.
Protein change: p.Asp35del; deletes aspartic acid 35.
Molecular consequence: inframe deletion. On other transcripts: non-coding transcript variant (4).
Genome position (GRCh38, 1-based): chr15:84,653,637-84,653,639, TCA deleted on the plus strand (TGA on the coding strand, the reverse complement: WDR73 is on the minus strand); deleting any 3 consecutive bases within chr15:84,653,637-84,653,642 gives the same sequence; the position shown is the placement nearest the transcript's 3' end. VCF-style (leftmost placement, unchanged base first): chr15-84653636-GTCA-G. GRCh37 (hg19) VCF-style: chr15-85196867-GTCA-G.
Other names: c.102_104del (NM_032856.5); short protein forms D35del.
Identifiers: ClinVar variation 1034165 (VCV001034165.4), dbSNP rs750338466, ClinGen allele CA7707495.

ClinVar aggregate classification (germline): Uncertain significance. Review status: criteria provided, multiple submitters, no conflicts (2 of 4 stars). 3 submissions from 3 submitters: Uncertain significance (3). Last evaluated 2024-05-20.

Conditions:
Galloway-Mowat syndrome 1 (GAMOS1). Identifiers: Orphanet 2065, Orphanet 83472, MedGen C4551772, MONDO:0033005, OMIM 251300.

Submissions (3):

Fulgent Genetics
Classification: Uncertain significance for Galloway-Mowat syndrome 1. Last evaluated: 2024-05-20. Review status: criteria provided, single submitter. Criteria: ACMG Guidelines, 2015. Collection method: clinical testing. Allele origin: germline.

Labcorp Genetics (formerly Invitae), Labcorp
Classification: Uncertain significance. Last evaluated: 2022-10-04. Review status: criteria provided, single submitter. Criteria: Invitae Variant Classification Sherloc (09022015). Collection method: clinical testing. Allele origin: germline.
Comment: This variant, c.102_104del, results in the deletion of 1 amino acid(s) of the WDR73 protein (p.Asp35del), but otherwise preserves the integrity of the reading frame. This variant is present in population databases (rs750338466, gnomAD 0.005%). This variant has not been reported in the literature in individuals affected with WDR73-related conditions. Experimental studies and prediction algorithms are not available or were not evaluated, and the functional significance of this variant is currently unknown. In summary, the available evidence is currently insufficient to determine the role of this variant in disease. Therefore, it has been classified as a Variant of Uncertain Significance.

Baylor Genetics
Classification: Uncertain significance for Galloway-Mowat syndrome 1. Last evaluated: 2018-06-13. Review status: criteria provided, single submitter. Criteria: ACMG Guidelines, 2015. Collection method: clinical testing. Allele origin: paternal. Affected: yes.
Comment: This variant was determined to be of uncertain significance according to ACMG Guidelines, 2015 [PMID:25741868].